The following is an entry in ClinVar:

ClinVar aggregate classification (germline): Uncertain significance (1 of 4 stars; one submission).

Allele frequency attached by ClinVar (database versions not stated): TOPMed 0.00003.
gnomAD v4.1: 7 of 1,600,942 alleles (0.00044%); highest among the groups gnomAD compares: African/African-American, 0.0081%; no homozygotes.

Submission:

Labcorp Genetics (formerly Invitae), Labcorp
Classification: Uncertain significance. Last evaluated: 2023-05-21. Review status: criteria provided, single submitter. Criteria: Invitae Variant Classification Sherloc (09022015). Collection method: clinical testing. Allele origin: germline.
Comment: In summary, the available evidence is currently insufficient to determine the role of this variant in disease. Therefore, it has been classified as a Variant of Uncertain Significance. An algorithm developed to predict the effect of missense changes on protein structure and function (PolyPhen-2) suggests that this variant is likely to be disruptive. This variant has not been reported in the literature in individuals affected with ITGAM-related conditions. This variant is present in population databases (no rsID available, gnomAD 0.01%). This sequence change replaces glycine, which is neutral and non-polar, with valine, which is neutral and non-polar, at codon 49 of the ITGAM protein (p.Gly49Val).

NM_000632.4(ITGAM):c.146G>T (p.Gly49Val)

Genes: ITGAM (integrin subunit alpha M; plus strand), LOC126862331 (P300/CBP strongly-dependent group 1 enhancer GRCh37_chr16:31276375-31277574; plus strand). Cytogenetic location: 16p11.2.
Variant type: single nucleotide variant.
Coding change: c.146G>T on transcript NM_000632.4 (MANE Select); coding-DNA position 146, G replaced by T.
Protein change: p.Gly49Val; replaces glycine 49 with valine.
Molecular consequence: missense variant.
Genome position (GRCh38, 1-based): chr16:31,265,406, G>T. VCF-style: chr16-31265406-G-T. GRCh37 (hg19) VCF-style: chr16-31276727-G-T.
Other names: c.146G>T, p.Gly49Val (NM_001145808.2); short protein forms G49V.
Identifiers: ClinVar variation 2809244 (VCV002809244.3), dbSNP rs1487400955, ClinGen allele CA395682479.